The following is an entry in ClinVar:

ClinVar aggregate classification (germline): Uncertain significance (1 of 4 stars; one submission).

Conditions:
Muscle AMP deaminase deficiency (MMDD). Also called: ADENOSINE MONOPHOSPHATE DEAMINASE-1 DEFICIENCY, MYOPATHY DUE TO; AMPD1 DEFICIENCY; Myoadenylate deaminase deficiency, myopathy due to; Adenosine monophosphate deaminase 1 deficiency; AMP deaminase 1 deficiency; Adenosine Monophosphate Deaminase 1. Identifiers: Orphanet 45, MedGen C3714933, MONDO:0014220, OMIM 615511.

Submission:

Labcorp Genetics (formerly Invitae), Labcorp
Classification: Uncertain significance for Muscle AMP deaminase deficiency. Last evaluated: 2021-12-21. Review status: criteria provided, single submitter. Criteria: Invitae Variant Classification Sherloc (09022015). Collection method: clinical testing. Allele origin: germline.
Comment: This sequence change replaces alanine, which is neutral and non-polar, with valine, which is neutral and non-polar, at codon 282 of the AMPD1 protein (p.Ala282Val). This variant is not present in population databases (gnomAD no frequency). This variant has not been reported in the literature in individuals affected with AMPD1-related conditions. Algorithms developed to predict the effect of missense changes on protein structure and function are either unavailable or do not agree on the potential impact of this missense change (SIFT: "Deleterious"; PolyPhen-2: "Benign"; Align-GVGD: "Class C0"). In summary, the available evidence is currently insufficient to determine the role of this variant in disease. Therefore, it has been classified as a Variant of Uncertain Significance.

NM_000036.3(AMPD1):c.746C>T (p.Ala249Val)

Gene: AMPD1 (adenosine monophosphate deaminase 1; minus strand). Cytogenetic location: 1p13.2.
Variant type: single nucleotide variant.
Coding change: c.746C>T on transcript NM_000036.3 (MANE Select); coding-DNA position 746, C replaced by T.
Protein change: p.Ala249Val; replaces alanine 249 with valine.
Molecular consequence: missense variant.
Genome position (GRCh38, 1-based): chr1:114,680,280, G>A on the plus strand (C>T on the coding strand, the complement: AMPD1 is on the minus strand). VCF-style: chr1-114680280-G-A. GRCh37 (hg19) VCF-style: chr1-115222901-G-A.
Other names: c.734C>T, p.Ala245Val (NM_001172626.2); short protein forms A249V, A245V.
Identifiers: ClinVar variation 2038097 (VCV002038097.4), dbSNP rs2526359217, ClinGen allele CA341750313.